The following is an entry in ClinVar:

NM_170606.3(KMT2C):c.9790G>A (p.Asp3264Asn)

Gene: KMT2C (lysine methyltransferase 2C; minus strand). Cytogenetic location: 7q36.1.
Variant type: single nucleotide variant.
Coding change: c.9790G>A on transcript NM_170606.3 (MANE Select); coding-DNA position 9790, G replaced by A.
Protein change: p.Asp3264Asn; replaces aspartic acid 3264 with asparagine.
Molecular consequence: missense variant.
Genome position (GRCh38, 1-based): chr7:152,163,787, C>T on the plus strand (G>A on the coding strand, the complement: KMT2C is on the minus strand). VCF-style: chr7-152163787-C-T. GRCh37 (hg19) VCF-style: chr7-151860872-C-T.
Other names: short protein forms D3264N.
Identifiers: ClinVar variation 3390508 (VCV003390508.1).

ClinVar aggregate classification (germline): Uncertain significance (1 of 4 stars; one submission).

Submission:

GeneDx
Classification: Uncertain significance. Last evaluated: 2024-06-13. Review status: criteria provided, single submitter. Criteria: GeneDx Variant Classification Process June 2021. Collection method: clinical testing. Allele origin: germline. Affected: yes.
Comment: Has not been previously published as pathogenic or benign in association with KMT2C-related disorder to our knowledge; Not observed at significant frequency in large population cohorts (gnomAD); In silico analysis supports that this missense variant has a deleterious effect on protein structure/function; This variant is associated with the following publications: (PMID: 25537518)